The following is an entry in ClinVar:

NM_004415.4(DSP):c.5283C>T (p.Asn1761=)

Gene: DSP (desmoplakin; plus strand). Cytogenetic location: 6p24.3.
Variant type: single nucleotide variant.
Coding change: c.5283C>T on transcript NM_004415.4 (MANE Select); coding-DNA position 5283, C replaced by T.
Protein change: p.Asn1761=; no amino-acid change (asparagine 1761 retained).
Molecular consequence: synonymous variant. On other transcripts: intron variant (2).
Genome position (GRCh38, 1-based): chr6:7,581,473, C>T. VCF-style: chr6-7581473-C-T. GRCh37 (hg19) VCF-style: chr6-7581706-C-T.
Other names: c.5283C>T (LRG_423t1); c.4051-1169C>T (NM_001319034.2); c.3583-1169C>T (NM_001008844.3).
Identifiers: ClinVar variation 357957 (VCV000357957.19), dbSNP rs763355815, ClinGen allele CA044490.

ClinVar aggregate classification (germline): Likely benign. Review status: criteria provided, multiple submitters, no conflicts (2 of 4 stars). 5 submissions from 5 submitters: Likely benign (5). Last evaluated 2025-12-15.

Conditions:
Arrhythmogenic cardiomyopathy with wooly hair and keratoderma. Also called: PALMOPLANTAR KERATODERMA WITH LEFT VENTRICULAR CARDIOMYOPATHY AND WOOLLY HAIR; Carvajal syndrome; Dilated cardiomyopathy with woolly hair and keratoderma; Arrhythmogenic cardiomyopathy with woolly hair and keratoderma. Identifiers: Orphanet 65282, MedGen C1854063, MONDO:0011581, OMIM 605676.
Arrhythmogenic right ventricular dysplasia 8 (ARVD8). Also called: ARRHYTHMOGENIC RIGHT VENTRICULAR DYSPLASIA, FAMILIAL, 8; ARRHYTHMOGENIC RIGHT VENTRICULAR CARDIOMYOPATHY 8; Arrhythmogenic Right Ventricular Dysplasia/Cardiomyopathy 8. Identifiers: MedGen C1843896, MONDO:0011831, OMIM 607450.
Cardiovascular phenotype. Identifiers: MedGen CN230736.
Cardiomyopathy (CMYO). Also called: Cardiomyopathies. Identifiers: Orphanet 167848, MedGen C0878544, MONDO:0004994, HP:0001638. Inheritance: Various modes of inheritance.

Allele frequency attached by ClinVar (database versions not stated): gnomAD 0.00001; gnomAD exomes 0.00001 and 0.00003; ExAC 0.00002; TOPMed 0.00002.
gnomAD v4.1: 16 of 1,613,316 alleles (0.00099%); highest among the groups gnomAD compares: Admixed American, 0.0084%; no homozygotes.

Submissions (5):

Labcorp Genetics (formerly Invitae), Labcorp
Classification: Likely benign for Arrhythmogenic cardiomyopathy with wooly hair and keratoderma; Arrhythmogenic right ventricular dysplasia 8. Last evaluated: 2025-12-15. Review status: criteria provided, single submitter. Criteria: Invitae Variant Classification Sherloc (09022015). Collection method: clinical testing. Allele origin: germline.

All of Us Research Program, National Institutes of Health
Classification: Likely benign for Arrhythmogenic cardiomyopathy with wooly hair and keratoderma. Last evaluated: 2023-12-18. Review status: criteria provided, single submitter. Criteria: ACMG Guidelines, 2015. Collection method: clinical testing. Allele origin: germline. Inheritance: Autosomal dominant inheritance. Observed: 6 variant alleles, 6 heterozygotes.
Comment: This study involves interpretation of variants in research participants for the purpose of population health screening. Participant phenotype was not available at the time of variant classification. Additional details can be found in publication PMID: 35346344, PMCID: PMC8962531

CHEO Genetics Diagnostic Laboratory, Children's Hospital of Eastern Ontario
Classification: Likely benign for Cardiomyopathy. Last evaluated: 2023-05-03. Review status: criteria provided, single submitter. Criteria: ACMG Guidelines, 2015. Collection method: clinical testing. Allele origin: germline.

Ambry Genetics
Classification: Likely benign for Cardiovascular phenotype. Last evaluated: 2021-02-19. Review status: criteria provided, single submitter. Criteria: Ambry Variant Classification Scheme 2023. Collection method: clinical testing. Allele origin: germline.

Color Diagnostics, LLC DBA Color Health
Classification: Likely benign for Cardiomyopathy. Last evaluated: 2018-07-15. Review status: criteria provided, single submitter. Criteria: ACMG Guidelines, 2015. Collection method: clinical testing. Allele origin: germline.